The following is an entry in ClinVar:

NM_025114.4(CEP290):c.3351G>A (p.Met1117Ile)

Gene: CEP290 (centrosomal protein 290; minus strand). Cytogenetic location: 12q21.32.
Variant type: single nucleotide variant.
Coding change: c.3351G>A on transcript NM_025114.4 (MANE Select); coding-DNA position 3351, G replaced by A.
Protein change: p.Met1117Ile; replaces methionine 1117 with isoleucine.
Molecular consequence: missense variant.
Genome position (GRCh38, 1-based): chr12:88,092,791, C>T on the plus strand (G>A on the coding strand, the complement: CEP290 is on the minus strand). VCF-style: chr12-88092791-C-T. GRCh37 (hg19) VCF-style: chr12-88486568-C-T.
Other names: short protein forms M1117I.
Identifiers: ClinVar variation 1018013 (VCV001018013.9), dbSNP rs2037147645, ClinGen allele CA386004549.

ClinVar aggregate classification (germline): Uncertain significance (1 of 4 stars; one submission).

Conditions:
Joubert syndrome. Also called: Familial aplasia of the vermis; CEREBELLOPARENCHYMAL DISORDER IV; JOUBERT-BOLTSHAUSER SYNDROME. Identifiers: Orphanet 475, MedGen C5979921, MONDO:0018772.
Meckel-Gruber syndrome. Also called: Dysencephalia splachnocystica; DYSENCEPHALIA SPLANCHNOCYSTICA; GRUBER SYNDROME. Identifiers: Orphanet 564, MedGen C0265215, MONDO:0018921.
Nephronophthisis. Also called: Juvenile Nephronophthisis. Identifiers: Orphanet 655, MedGen C0687120, MONDO:0019005, HP:0000090.

Submission:

Labcorp Genetics (formerly Invitae), Labcorp
Classification: Uncertain significance for Joubert syndrome; Meckel-Gruber syndrome; Nephronophthisis. Last evaluated: 2020-03-12. Review status: criteria provided, single submitter. Criteria: Invitae Variant Classification Sherloc (09022015). Collection method: clinical testing. Allele origin: germline.
Comment: This variant is not present in population databases (ExAC no frequency). In summary, the available evidence is currently insufficient to determine the role of this variant in disease. Therefore, it has been classified as a Variant of Uncertain Significance. Algorithms developed to predict the effect of missense changes on protein structure and function (SIFT, PolyPhen-2, Align-GVGD) all suggest that this variant is likely to be tolerated, but these predictions have not been confirmed by published functional studies and their clinical significance is uncertain. This variant has not been reported in the literature in individuals with CEP290-related conditions. This sequence change replaces methionine with isoleucine at codon 1117 of the CEP290 protein (p.Met1117Ile). The methionine residue is weakly conserved and there is a small physicochemical difference between methionine and isoleucine.